The following is an entry in ClinVar:

NM_181552.4(CUX1):c.2365del (p.Gln789fs)

Gene: CUX1 (cut like homeobox 1; plus strand). Cytogenetic location: 7q22.1.
Variant type: Deletion.
Coding change: c.2365del on transcript NM_181552.4 (MANE Select); coding-DNA position 2365, one base deleted (C; older notation c.2365delC).
Protein change: p.Gln789fs; shifts the reading frame from glutamine 789.
Molecular consequence: frameshift variant. On other transcripts: intron variant (5).
Genome position (GRCh38, 1-based): chr7:102,201,662, C deleted; the last of 3 consecutive C bases (chr7:102,201,660-102,201,662); deleting any one gives the same sequence. VCF-style (leftmost placement, unchanged base first): chr7-102201659-GC-G. GRCh37 (hg19) VCF-style: chr7-101844939-GC-G.
Other names: c.2398del, p.Gln800fs (NM_001202543.2); c.1255+6059del (NM_001913.5); c.1249+6059del (NM_181500.4); c.1117+6059del (NM_001202545.3); c.1207+6059del (NM_001202544.3); c.1138+6059del (NM_001202546.3); short protein forms Q800fs, Q789fs.
Identifiers: ClinVar variation 618990 (VCV000618990.4), dbSNP rs1554519798, ClinGen allele CA577195165.

ClinVar aggregate classification (germline): Likely pathogenic. Review status: criteria provided, single submitter (1 of 4 stars). 2 submissions from 2 submitters: Likely pathogenic (1). 1 of the submissions does not count toward it. Last evaluated 2018-08-31.

Conditions:
Global developmental delay with or without impaired intellectual development. Identifiers: MedGen C5193032, MONDO:0032680, OMIM 618330.

Submissions (2):

Institute of Human Genetics, University of Leipzig Medical Center
Classification: Likely pathogenic for Global developmental delay with or without impaired intellectual development. Last evaluated: 2018-08-31. Review status: criteria provided, single submitter. Criteria: ACMG Guidelines, 2015. Collection method: clinical testing. Allele origin: de novo. Affected: yes.
Comment: This variant was identified as de novo (maternity and paternity confirmed).

OMIM
Classification: Pathogenic for NEURODEVELOPMENTAL DISORDER WITH DEVELOPMENTAL DELAY AND MOTOR AND SPEECH DELAY. Last evaluated: 2025-04-09. Review status: no assertion criteria provided. Collection method: literature only. Allele origin: germline. Not counted in ClinVar's aggregate classification.

Literature cited by the submitters: PubMed 30014507 (cited by Institute of Human Genetics, University of Leipzig Medical Center and OMIM).